The following is an entry in ClinVar:

NM_001458.5(FLNC):c.5114A>T (p.Tyr1705Phe)

Gene: FLNC (filamin C; plus strand). Cytogenetic location: 7q32.1.
Variant type: single nucleotide variant.
Coding change: c.5114A>T on transcript NM_001458.5 (MANE Select); coding-DNA position 5114, A replaced by T.
Protein change: p.Tyr1705Phe; replaces tyrosine 1705 with phenylalanine.
Molecular consequence: missense variant.
Genome position (GRCh38, 1-based): chr7:128,849,493, A>T. VCF-style: chr7-128849493-A-T. GRCh37 (hg19) VCF-style: chr7-128489547-A-T.
Other names: c.5114A>T, p.Tyr1705Phe (NM_001127487.2); short protein forms Y1705F.
Identifiers: ClinVar variation 1943456 (VCV001943456.3), dbSNP rs1251139517, ClinGen allele CA369204213.
Genomic context (GRCh38, chr7:128,849,493, plus strand): 5'-CGGATGGGGCAGAGCTCGATGTGGATGTGGTTGAGAACCATGACGGTACCTTTGACATCT[A>T]CTACACAGCGCCCGAGCCGGGCAAGTACGTCATCACCATCCGCTTCGGGGGTGAGCACAT-3'
Protein context (NP_001449.3, residues 1695-1715): VENHDGTFDI[Tyr1705Phe]YTAPEPGKYV

ClinVar aggregate classification (germline): Uncertain significance (1 of 4 stars; one submission).

Conditions:
Myofibrillar myopathy 5. Also called: Filaminopathy (type); FILAMINOPATHY, AUTOSOMAL DOMINANT. Identifiers: Orphanet 171445, MedGen C1836050, MONDO:0012289, OMIM 609524.
Hypertrophic cardiomyopathy 26. Also called: Cardiomyopathy, familial hypertrophic, 26. Identifiers: Orphanet 75249, MedGen C4310749, MONDO:0014883, OMIM 617047.
Distal myopathy with posterior leg and anterior hand involvement. Also called: WILLIAMS DISTAL MYOPATHY. Identifiers: Orphanet 63273, MedGen C3279722, MONDO:0013550, OMIM 614065.
Dilated Cardiomyopathy, Dominant.

Allele frequency attached by ClinVar (database versions not stated): TOPMed below 0.00001.
gnomAD v4.1: 41 of 1,614,176 alleles (0.0025%); highest among the groups gnomAD compares: Non-Finnish European, 0.0033%; no homozygotes.

Submission:

Labcorp Genetics (formerly Invitae), Labcorp
Classification: Uncertain significance for Distal myopathy with posterior leg and anterior hand involvement; Myofibrillar myopathy 5; Hypertrophic cardiomyopathy 26. Last evaluated: 2022-02-18. Review status: criteria provided, single submitter. Criteria: Invitae Variant Classification Sherloc (09022015). Collection method: clinical testing. Allele origin: germline.
Comment: In summary, the available evidence is currently insufficient to determine the role of this variant in disease. Therefore, it has been classified as a Variant of Uncertain Significance. Algorithms developed to predict the effect of sequence changes on RNA splicing suggest that this variant may create or strengthen a splice site. Algorithms developed to predict the effect of missense changes on protein structure and function (SIFT, PolyPhen-2, Align-GVGD) all suggest that this variant is likely to be tolerated. This variant has not been reported in the literature in individuals affected with FLNC-related conditions. This variant is present in population databases (no rsID available, gnomAD 0.0009%). This sequence change replaces tyrosine, which is neutral and polar, with phenylalanine, which is neutral and non-polar, at codon 1705 of the FLNC protein (p.Tyr1705Phe).